The following is an entry in ClinVar:

NM_000069.3(CACNA1S):c.3560del (p.Phe1187fs)

Gene: CACNA1S (calcium voltage-gated channel subunit alpha1 S; minus strand). Cytogenetic location: 1q32.1.
Variant type: Deletion.
Coding change: c.3560del on transcript NM_000069.3 (MANE Select); coding-DNA position 3560, one base deleted (T; older notation c.3560delT).
Protein change: p.Phe1187fs; shifts the reading frame from phenylalanine 1187.
Molecular consequence: frameshift variant.
Genome position (GRCh38, 1-based): chr1:201,058,457, A deleted on the plus strand (T on the coding strand, the reverse complement: CACNA1S is on the minus strand); the first of 2 consecutive A bases (chr1:201,058,457-201,058,458); deleting either gives the same sequence. VCF-style (leftmost placement, unchanged base first): chr1-201058456-GA-G. GRCh37 (hg19) VCF-style: chr1-201027584-GA-G.
Other names: short protein forms F1187fs.
Identifiers: ClinVar variation 4995484 (VCV004995484.1).

ClinVar aggregate classification (germline): Likely pathogenic (1 of 4 stars; one submission).

Conditions:
CACNA1S-related disorder. Also called: CACNA1S-related condition.

Submission:

PreventionGenetics, part of Exact Sciences
Classification: Likely pathogenic for CACNA1S-related condition. Last evaluated: 2026-02-23. Review status: criteria provided, single submitter. Criteria: ACMG Guidelines, 2015. Collection method: clinical testing. Allele origin: germline.
Comment: The CACNA1S c.3560delT variant is predicted to result in a frameshift and premature protein termination (p.Phe1187Serfs*2). To our knowledge, this variant has not been reported in the literature or in a large population database (gnomAD), indicating this variant is rare. Frameshift variants in CACNA1S are expected to be pathogenic. This variant is interpreted as likely pathogenic for autosomal recessive CACNA1S-related disorders.